The following is an entry in ClinVar:

ClinVar aggregate classification (germline): Likely benign. Review status: criteria provided, multiple submitters, no conflicts (2 of 4 stars). 2 submissions from 2 submitters: Likely benign (2). Last evaluated 2025-07-14.

Conditions:
Autosomal recessive limb-girdle muscular dystrophy type 2J (LGMDR10). Also called: Limb-girdle muscular dystrophy, type 2J; MUSCULAR DYSTROPHY, LIMB-GIRDLE, AUTOSOMAL RECESSIVE 10. Identifiers: Orphanet 140922, MedGen C1837342, MONDO:0012127, OMIM 608807.
Dilated cardiomyopathy 1G (CMD1G). Identifiers: Orphanet 154, MedGen C1858763, MONDO:0011400, OMIM 604145.

Allele frequency attached by ClinVar (database versions not stated): gnomAD exomes 0.00001.
gnomAD v4.1: 15 of 1,613,576 alleles (0.00093%); highest among the groups gnomAD compares: Non-Finnish European, 0.0013%; no homozygotes.

Submissions (2):

Labcorp Genetics (formerly Invitae), Labcorp
Classification: Likely benign for Dilated cardiomyopathy 1G; Autosomal recessive limb-girdle muscular dystrophy type 2J. Last evaluated: 2025-07-14. Review status: criteria provided, single submitter. Criteria: Invitae Variant Classification Sherloc (09022015). Collection method: clinical testing. Allele origin: germline.

CeGaT Center for Human Genetics Tuebingen
Classification: Likely benign. Last evaluated: 2022-07-01. Review status: criteria provided, single submitter. Criteria: CeGaT Center For Human Genetics Tuebingen Variant Classification Criteria Version 2. Collection method: clinical testing. Allele origin: germline. Affected: yes. Observed: 1 variant allele.
Comment: TTN: BP4, BP7

NM_001267550.2(TTN):c.16257A>G (p.Val5419=)

Gene: TTN (titin; minus strand). Cytogenetic location: 2q31.2.
Variant type: single nucleotide variant.
Coding change: c.16257A>G on transcript NM_001267550.2 (MANE Select); coding-DNA position 16257, A replaced by G.
Protein change: p.Val5419=; no amino-acid change (valine 5419 retained).
Molecular consequence: synonymous variant. On other transcripts: intron variant (3).
Genome position (GRCh38, 1-based): chr2:178,732,919, T>C on the plus strand (A>G on the coding strand, the complement: TTN is on the minus strand). VCF-style: chr2-178732919-T-C. GRCh37 (hg19) VCF-style: chr2-179597646-T-C.
Other names: c.15306A>G, p.Val5102= (NM_001256850.1); c.12525A>G, p.Val4175= (NM_133378.4); c.13282+5163A>G (NM_003319.4); c.13858+5163A>G (NM_133437.4); c.13657+5163A>G (NM_133432.3).
Identifiers: ClinVar variation 2651692 (VCV002651692.27), dbSNP rs1288766016, ClinGen allele CA430294019.